The following is an entry in ClinVar:

ClinVar aggregate classification (germline): Uncertain significance (1 of 4 stars; one submission).

Conditions:
X-linked lymphoproliferative disease due to XIAP deficiency. Also called: XIAP DEFICIENCY; XIAP-Related Lymphoproliferative Disease, X-Linked. Identifiers: Orphanet 2442, Orphanet 538934, MedGen C1845076, MONDO:0010385, OMIM 300635.

Submission:

Labcorp Genetics (formerly Invitae), Labcorp
Classification: Uncertain significance for X-linked lymphoproliferative disease due to XIAP deficiency. Last evaluated: 2022-06-08. Review status: criteria provided, single submitter. Criteria: Invitae Variant Classification Sherloc (09022015). Collection method: clinical testing. Allele origin: germline.
Comment: In summary, the available evidence is currently insufficient to determine the role of this variant in disease. Therefore, it has been classified as a Variant of Uncertain Significance. Algorithms developed to predict the effect of missense changes on protein structure and function are either unavailable or do not agree on the potential impact of this missense change (SIFT: "Not Available"; PolyPhen-2: "Probably Damaging"; Align-GVGD: "Not Available"). This variant has not been reported in the literature in individuals affected with XIAP-related conditions. This variant is not present in population databases (gnomAD no frequency). This sequence change replaces cysteine, which is neutral and slightly polar, with serine, which is neutral and polar, at codon 327 of the XIAP protein (p.Cys327Ser).

NM_001167.4(XIAP):c.979T>A (p.Cys327Ser)

Gene: XIAP (X-linked inhibitor of apoptosis; plus strand). Cytogenetic location: Xq25.
Variant type: single nucleotide variant.
Coding change: c.979T>A on transcript NM_001167.4 (MANE Select); coding-DNA position 979, T replaced by A.
Protein change: p.Cys327Ser; replaces cysteine 327 with serine.
Molecular consequence: missense variant. On other transcripts: non-coding transcript variant (2).
Genome position (GRCh38, 1-based): chrX:123,891,239, T>A. VCF-style: chrX-123891239-T-A. GRCh37 (hg19) VCF-style: chrX-123025089-T-A.
Other names: c.979T>A, p.Cys327Ser (NM_001204401.2, NM_001378590.1, NM_001378591.1 and 1 more transcripts); short protein forms C327S.
Identifiers: ClinVar variation 2003595 (VCV002003595.4), dbSNP rs2522596278, ClinGen allele CA414125403.